The following is an entry in ClinVar:

ClinVar aggregate classification (germline): Benign/Likely benign. Review status: criteria provided, multiple submitters, no conflicts (2 of 4 stars). 5 submissions from 5 submitters: Benign (1); Likely benign (3). 1 of the submissions does not count toward it. Last evaluated 2026-01-09.

Conditions:
Nephrolithiasis/nephrocalcinosis. Identifiers: MedGen CN580796.
Dent disease type 2. Identifiers: Orphanet 1652, Orphanet 93623, MedGen C1845167, MONDO:0010359, OMIM 300555.
Lowe syndrome (OCRL). Also called: Oculocerebrorenal Syndrome; LOWE OCULOCEREBRORENAL SYNDROME; PHOSPHATIDYLINOSITOL 4,5-BISPHOSPHATE 5-PHOSPHATASE DEFICIENCY. Identifiers: Orphanet 534, MedGen C0028860, MONDO:0010645, OMIM 309000.
OCRL-related disorder. Also called: OCRL-related condition.

Allele frequency attached by ClinVar (database versions not stated): gnomAD exomes 0.00017 and 0.00022; gnomAD 0.00019 and 0.00020; TOPMed 0.00020; ExAC 0.00025; ESP Exome Variant Server 0.00028.
gnomAD v4.1: 254 of 1,204,759 alleles (0.021%); highest among the groups gnomAD compares: Non-Finnish European, 0.027%; no homozygotes.

Submissions (5):

Labcorp Genetics (formerly Invitae), Labcorp
Classification: Benign for Lowe syndrome. Last evaluated: 2026-01-09. Review status: criteria provided, single submitter. Criteria: Invitae Variant Classification Sherloc (09022015). Collection method: clinical testing. Allele origin: germline.

Blueprint Genetics
Classification: Likely benign. Last evaluated: 2024-09-02. Review status: criteria provided, single submitter. Criteria: ACMG Guidelines, 2015. Collection method: clinical testing. Allele origin: germline.

Fulgent Genetics
Classification: Likely benign for Dent disease type 2; Lowe syndrome. Last evaluated: 2021-12-07. Review status: criteria provided, single submitter. Criteria: ACMG Guidelines, 2015. Collection method: clinical testing. Allele origin: unknown.

Ambry Genetics
Classification: Likely benign for Nephrolithiasis/nephrocalcinosis. Last evaluated: 2017-01-27. Review status: criteria provided, single submitter. Criteria: Ambry Variant Classification Scheme 2023. Collection method: clinical testing. Allele origin: germline.

PreventionGenetics, part of Exact Sciences
Classification: Likely benign for OCRL-related condition. Last evaluated: 2019-07-16. Review status: no assertion criteria provided. Collection method: clinical testing. Allele origin: germline. Not counted in ClinVar's aggregate classification.
Comment: This variant is classified as likely benign based on ACMG/AMP sequence variant interpretation guidelines (Richards et al. 2015 PMID: 25741868, with internal and published modifications).

NM_000276.4(OCRL):c.105G>A (p.Arg35=)

Gene: OCRL (OCRL inositol polyphosphate-5-phosphatase; plus strand). Cytogenetic location: Xq26.1.
Variant type: single nucleotide variant.
Coding change: c.105G>A on transcript NM_000276.4 (MANE Select); coding-DNA position 105, G replaced by A.
Protein change: p.Arg35=; no amino-acid change (arginine 35 retained).
Molecular consequence: synonymous variant.
Genome position (GRCh38, 1-based): chrX:129,540,809, G>A. VCF-style: chrX-129540809-G-A. GRCh37 (hg19) VCF-style: chrX-128674786-G-A.
Other names: c.108G>A, p.Arg36= (NM_001318784.2); c.105G>A, p.Arg35= (NM_001587.4).
Identifiers: ClinVar variation 588729 (VCV000588729.18), dbSNP rs142321728, ClinGen allele CA10511929.